The following is an entry in ClinVar:

ClinVar aggregate classification (germline): Uncertain significance (1 of 4 stars; one submission).

Conditions:
Inborn genetic diseases. Identifiers: MedGen C0950123, MeSH D030342.

Submission:

Ambry Genetics
Classification: Uncertain significance for Inborn genetic diseases. Last evaluated: 2025-05-27. Review status: criteria provided, single submitter. Criteria: Ambry Variant Classification Scheme 2023. Collection method: clinical testing. Allele origin: germline.
Comment: The p.L370V variant (also known as c.1108C>G), located in coding exon 9 of the FANCG gene, results from a C to G substitution at nucleotide position 1108. The leucine at codon 370 is replaced by valine, an amino acid with highly similar properties. This amino acid position is conserved. In addition, this alteration is predicted to be tolerated by in silico analysis. Based on the available evidence, the clinical significance of this variant remains unclear.

NM_004629.2(FANCG):c.1108C>G (p.Leu370Val)

Gene: FANCG (FA complementation group G; minus strand). Cytogenetic location: 9p13.3.
Variant type: single nucleotide variant.
Coding change: c.1108C>G on transcript NM_004629.2 (MANE Select); coding-DNA position 1108, C replaced by G.
Protein change: p.Leu370Val; replaces leucine 370 with valine.
Molecular consequence: missense variant.
Genome position (GRCh38, 1-based): chr9:35,075,997, G>C on the plus strand (C>G on the coding strand, the complement: FANCG is on the minus strand). VCF-style: chr9-35075997-G-C. GRCh37 (hg19) VCF-style: chr9-35075994-G-C.
Other names: short protein forms L370V.
Identifiers: ClinVar variation 4022541 (VCV004022541.1).